The following is an entry in ClinVar:

ClinVar aggregate classification (germline): Uncertain significance (1 of 4 stars; one submission).

Conditions:
Autosomal dominant nocturnal frontal lobe epilepsy 5. Also called: Epilepsy, nocturnal frontal lobe, 5; KCNT1-Related Epilepsy; CILIARY DYSKINESIA, PRIMARY, 28, WITHOUT SITUS INVERSUS; CILIARY DYSKINESIA, PRIMARY, 28, WITH SITUS INVERSUS. Identifiers: Orphanet 98784, MedGen C3554306, MONDO:0014002, OMIM 615005.
Developmental and epileptic encephalopathy, 14 (DEE14). Also called: Early infantile epileptic encephalopathy 14. Identifiers: Orphanet 293181, MedGen C3554195, MONDO:0013989, OMIM 614959.

Allele frequency attached by ClinVar (database versions not stated): gnomAD exomes below 0.00001; ExAC 0.00001.
gnomAD v4.1: 3 of 1,610,952 alleles (0.00019%); highest among the groups gnomAD compares: Non-Finnish European, 0.00025%; no homozygotes.

Submission:

Labcorp Genetics (formerly Invitae), Labcorp
Classification: Uncertain significance for Epilepsy, nocturnal frontal lobe, 5; Early infantile epileptic encephalopathy 14. Last evaluated: 2018-11-20. Review status: criteria provided, single submitter. Criteria: Invitae Variant Classification Sherloc (09022015). Collection method: clinical testing. Allele origin: germline.
Comment: This sequence change replaces cysteine with serine at codon 1069 of the KCNT1 protein (p.Cys1069Ser). The cysteine residue is highly conserved and there is a moderate physicochemical difference between cysteine and serine. This variant is present in population databases (rs781225639, ExAC 0.002%). This variant has not been reported in the literature in individuals with KCNT1-related disease. Algorithms developed to predict the effect of missense changes on protein structure and function are either unavailable or do not agree on the potential impact of this missense change (SIFT: "Tolerated"; PolyPhen-2: "Benign"; Align-GVGD: "Class C0"). In summary, the available evidence is currently insufficient to determine the role of this variant in disease. Therefore, it has been classified as a Variant of Uncertain Significance.

NM_020822.3(KCNT1):c.3205T>A (p.Cys1069Ser)

Gene: KCNT1 (potassium sodium-activated channel subfamily T member 1; plus strand). Cytogenetic location: 9q34.3.
Variant type: single nucleotide variant.
Coding change: c.3205T>A on transcript NM_020822.3 (MANE Select); coding-DNA position 3205, T replaced by A.
Protein change: p.Cys1069Ser; replaces cysteine 1069 with serine.
Molecular consequence: missense variant.
Genome position (GRCh38, 1-based): chr9:135,786,224, T>A. VCF-style: chr9-135786224-T-A. GRCh37 (hg19) VCF-style: chr9-138678070-T-A.
Other names: c.3070T>A, p.Cys1024Ser (NM_001272003.2); short protein forms C1069S, C1024S.
Identifiers: ClinVar variation 656481 (VCV000656481.1), dbSNP rs781225639, ClinGen allele CA5327747.